The following is an entry in ClinVar:

NM_032242.4(PLXNA1):c.582G>T (p.Lys194Asn)

Gene: PLXNA1 (plexin A1; plus strand). Cytogenetic location: 3q21.3.
Variant type: single nucleotide variant.
Coding change: c.582G>T on transcript NM_032242.4 (MANE Select); coding-DNA position 582, G replaced by T.
Protein change: p.Lys194Asn; replaces lysine 194 with asparagine.
Molecular consequence: missense variant.
Genome position (GRCh38, 1-based): chr3:126,989,175, G>T. VCF-style: chr3-126989175-G-T. GRCh37 (hg19) VCF-style: chr3-126708018-G-T.
Other names: short protein forms K194N.
Identifiers: ClinVar variation 2323894 (VCV002323894.5), dbSNP rs371691614, ClinGen allele CA2593002.

ClinVar aggregate classification (germline): Uncertain significance. Review status: criteria provided, multiple submitters, no conflicts (2 of 4 stars). 2 submissions from 2 submitters: Uncertain significance (2). Last evaluated 2025-02-22.

Conditions:
PLXNA1-related disorder. Also called: PLXNA1-related condition.

Allele frequency attached by ClinVar (database versions not stated): ESP Exome Variant Server 0.00008.

Submissions (2):

Ambry Genetics
Classification: Uncertain significance. Last evaluated: 2025-02-22. Review status: criteria provided, single submitter. Criteria: Ambry Variant Classification Scheme 2023. Collection method: clinical testing. Allele origin: germline.

PreventionGenetics, part of Exact Sciences
Classification: Uncertain significance for PLXNA1-related condition. Last evaluated: 2025-02-04. Review status: criteria provided, single submitter. Criteria: ACMG Guidelines, 2015. Collection method: clinical testing. Allele origin: germline.
Comment: The PLXNA1 c.582G>T variant is predicted to result in the amino acid substitution p.Lys194Asn. To our knowledge, this variant has not been reported in the literature. This variant is reported in 0.0058% of alleles in individuals of Latino descent in gnomAD. At this time, the clinical significance of this variant is uncertain due to the absence of conclusive functional and genetic evidence.